The following is an entry in ClinVar:

NM_005228.5(EGFR):c.2184+6G>A

Gene: EGFR (epidermal growth factor receptor; plus strand). Cytogenetic location: 7p11.2.
Variant type: single nucleotide variant.
Coding change: c.2184+6G>A on transcript NM_005228.5 (MANE Select); 6 bases into the intron after coding-DNA position 2184, G replaced by A.
Molecular consequence: intron variant.
Genome position (GRCh38, 1-based): chr7:55,174,049, G>A. VCF-style: chr7-55174049-G-A. GRCh37 (hg19) VCF-style: chr7-55241742-G-A.
Other names: c.2049+6G>A (NM_001346899.2, NM_001346897.2); c.1383+6G>A (NM_001346941.2); c.2184+6G>A (NM_001346898.2); c.2025+6G>A (NM_001346900.2).
Identifiers: ClinVar variation 3623244 (VCV003623244.2).

ClinVar aggregate classification (germline): Uncertain significance (1 of 4 stars; one submission).

Conditions:
EGFR-related lung cancer (EGFR). Identifiers: MedGen CN130014.

gnomAD v4.1: 3 of 1,614,088 alleles (0.00019%); highest among the groups gnomAD compares: African/African-American, 0.0013%; no homozygotes.

Submission:

Labcorp Genetics (formerly Invitae), Labcorp
Classification: Uncertain significance for EGFR-related lung cancer. Last evaluated: 2024-02-19. Review status: criteria provided, single submitter. Criteria: Invitae Variant Classification Sherloc (09022015). Collection method: clinical testing. Allele origin: germline.
Comment: This sequence change falls in intron 18 of the EGFR gene. It does not directly change the encoded amino acid sequence of the EGFR protein. It affects a nucleotide within the consensus splice site. This variant is not present in population databases (gnomAD no frequency). This variant has not been reported in the literature in individuals affected with EGFR-related conditions. Variants that disrupt the consensus splice site are a relatively common cause of aberrant splicing (PMID: 17576681, 9536098). Algorithms developed to predict the effect of sequence changes on RNA splicing suggest that this variant is not likely to affect RNA splicing. In summary, the available evidence is currently insufficient to determine the role of this variant in disease. Therefore, it has been classified as a Variant of Uncertain Significance.

Literature cited by the submitters: PubMed 17576681; PubMed 9536098.